The following is an entry in ClinVar:

NM_003764.4(STX11):c.227T>C (p.Met76Thr)

Gene: STX11 (syntaxin 11; plus strand). Cytogenetic location: 6q24.2.
Variant type: single nucleotide variant.
Coding change: c.227T>C on transcript NM_003764.4 (MANE Select); coding-DNA position 227, T replaced by C.
Protein change: p.Met76Thr; replaces methionine 76 with threonine.
Molecular consequence: missense variant.
Genome position (GRCh38, 1-based): chr6:144,186,854, T>C. VCF-style: chr6-144186854-T-C. GRCh37 (hg19) VCF-style: chr6-144507991-T-C.
Other names: c.227T>C (NM_003764.3); short protein forms M76T.
Identifiers: ClinVar variation 816676 (VCV000816676.5), dbSNP rs1317570206, ClinGen allele CA365948794.

ClinVar aggregate classification (germline): Uncertain significance. Review status: criteria provided, multiple submitters, no conflicts (2 of 4 stars). 3 submissions from 3 submitters: Uncertain significance (3). Last evaluated 2025-11-11.

Conditions:
Familial hemophagocytic lymphohistiocytosis 4 (FHL4). Also called: STX11-Related Familial Hemophagocytic Lymphohistiocytosis (STX11-fHLH). Identifiers: Orphanet 540, MedGen C1863728, MONDO:0011336, OMIM 603552.
Inborn genetic diseases. Identifiers: MedGen C0950123, MeSH D030342.

Allele frequency attached by ClinVar (database versions not stated): gnomAD exomes below 0.00001; TOPMed below 0.00001; gnomAD 0.00001.
gnomAD v4.1: 2 of 1,612,964 alleles (0.00012%); highest among the groups gnomAD compares: Non-Finnish European, 0.00017%; no homozygotes.

Submissions (3):

Ambry Genetics
Classification: Uncertain significance for Inborn genetic diseases. Last evaluated: 2025-11-11. Review status: criteria provided, single submitter. Criteria: Ambry Variant Classification Scheme 2023. Collection method: clinical testing. Allele origin: germline.

Labcorp Genetics (formerly Invitae), Labcorp
Classification: Uncertain significance for Familial hemophagocytic lymphohistiocytosis 4. Last evaluated: 2025-09-13. Review status: criteria provided, single submitter. Criteria: Invitae Variant Classification Sherloc (09022015). Collection method: clinical testing. Allele origin: germline.
Comment: This sequence change replaces methionine, which is neutral and non-polar, with threonine, which is neutral and polar, at codon 76 of the STX11 protein (p.Met76Thr). This variant is not present in population databases (gnomAD no frequency). This variant has not been reported in the literature in individuals affected with STX11-related conditions. ClinVar contains an entry for this variant (Variation ID: 816676). Invitae Evidence Modeling of protein sequence and biophysical properties (such as structural, functional, and spatial information, amino acid conservation, physicochemical variation, residue mobility, and thermodynamic stability) indicates that this missense variant is not expected to disrupt STX11 protein function with a negative predictive value of 80%. In summary, the available evidence is currently insufficient to determine the role of this variant in disease. Therefore, it has been classified as a Variant of Uncertain Significance.

Johns Hopkins Genomics, Johns Hopkins University
Classification: Uncertain significance for Familial hemophagocytic lymphohistiocytosis 4. Last evaluated: 2019-11-08. Review status: criteria provided, single submitter. Criteria: ACMG Guidelines, 2015. Collection method: clinical testing. Allele origin: germline.